The following is an entry in ClinVar:

NM_206933.4(USH2A):c.6668G>A (p.Gly2223Asp)

Gene: USH2A (usherin; minus strand). Cytogenetic location: 1q41.
Variant type: single nucleotide variant.
Coding change: c.6668G>A on transcript NM_206933.4 (MANE Select); coding-DNA position 6668, G replaced by A.
Protein change: p.Gly2223Asp; replaces glycine 2223 with aspartic acid.
Molecular consequence: missense variant.
Genome position (GRCh38, 1-based): chr1:215,993,157, C>T on the plus strand (G>A on the coding strand, the complement: USH2A is on the minus strand). VCF-style: chr1-215993157-C-T. GRCh37 (hg19) VCF-style: chr1-216166499-C-T.
Other names: short protein forms G2223D.
Identifiers: ClinVar variation 931267 (VCV000931267.13), dbSNP rs755612537, ClinGen allele CA1395069.

ClinVar aggregate classification (germline): Uncertain significance. Review status: criteria provided, multiple submitters, no conflicts (2 of 4 stars). 7 submissions from 6 submitters: Uncertain significance (6). 1 of the submissions does not count toward it. Last evaluated 2023-11-04.

Conditions:
Retinitis pigmentosa 39 (RP39). Identifiers: Orphanet 791, MedGen C3151138, MONDO:0013436, OMIM 613809.
Usher syndrome type 2A. Also called: RETINAL DISEASE IN USHER SYNDROME TYPE IIA, MODIFIER OF; USHER SYNDROME, TYPE IIA. Identifiers: Orphanet 231178, Orphanet 886, MedGen C1848634, MONDO:0010169, OMIM 276901.

Allele frequency attached by ClinVar (database versions not stated): gnomAD 0.00001; TOPMed 0.00001; gnomAD exomes below 0.00001 and 0.00001; ExAC 0.00001.
gnomAD v4.1: 13 of 1,613,908 alleles (0.00081%); highest among the groups gnomAD compares: Non-Finnish European, 0.0011%; no homozygotes.

Submissions (7):

Genome-Nilou Lab
Classification: Uncertain significance for Retinitis pigmentosa 39. Last evaluated: 2023-11-04. Review status: criteria provided, single submitter. Criteria: ACMG Guidelines, 2015. Collection method: clinical testing. Allele origin: germline. Affected: no.

Genome-Nilou Lab
Classification: Uncertain significance for Usher syndrome type 2A. Last evaluated: 2023-11-04. Review status: criteria provided, single submitter. Criteria: ACMG Guidelines, 2015. Collection method: clinical testing. Allele origin: germline. Affected: no.

Labcorp Genetics (formerly Invitae), Labcorp
Classification: Uncertain significance. Last evaluated: 2022-10-13. Review status: criteria provided, single submitter. Criteria: Invitae Variant Classification Sherloc (09022015). Collection method: clinical testing. Allele origin: germline.
Comment: This sequence change replaces glycine, which is neutral and non-polar, with aspartic acid, which is acidic and polar, at codon 2223 of the USH2A protein (p.Gly2223Asp). This variant is present in population databases (rs755612537, gnomAD 0.0009%). This variant has not been reported in the literature in individuals affected with USH2A-related conditions. ClinVar contains an entry for this variant (Variation ID: 931267). Algorithms developed to predict the effect of missense changes on protein structure and function (SIFT, PolyPhen-2, Align-GVGD) all suggest that this variant is likely to be disruptive. In summary, the available evidence is currently insufficient to determine the role of this variant in disease. Therefore, it has been classified as a Variant of Uncertain Significance.

Blueprint Genetics
Classification: Uncertain significance. Last evaluated: 2022-04-08. Review status: criteria provided, single submitter. Criteria: ACMG Guidelines, 2015. Collection method: clinical testing. Allele origin: germline.

GeneDx
Classification: Uncertain significance. Last evaluated: 2022-04-04. Review status: criteria provided, single submitter. Criteria: GeneDx Variant Classification Process June 2021. Collection method: clinical testing. Allele origin: germline. Affected: yes.
Comment: Not observed at significant frequency in large population cohorts (gnomAD); In silico analysis supports that this missense variant has a deleterious effect on protein structure/function; Has not been previously published as pathogenic or benign to our knowledge

Centre for Mendelian Genomics, University Medical Centre Ljubljana
Classification: Uncertain significance for Usher syndrome type 2A. Last evaluated: 2020-03-07. Review status: criteria provided, single submitter. Criteria: ACMG Guidelines, 2015. Collection method: clinical testing. Allele origin: unknown. Affected: yes.
Comment: This variant was classified as: Uncertain significance. The available evidence on this variant's pathogenicity is insufficient or conflicting. The following ACMG criteria were applied in classifying this variant: PM2,PP3.

Natera, Inc.
Classification: Uncertain significance for Usher syndrome type 2A. Last evaluated: 2020-06-10. Review status: no assertion criteria provided. Collection method: clinical testing. Allele origin: germline. Not counted in ClinVar's aggregate classification.